The following is an entry in ClinVar:

NM_001042492.3(NF1):c.2251+203G>T

Gene: NF1 (neurofibromin 1; plus strand). Cytogenetic location: 17q11.2.
Variant type: single nucleotide variant.
Coding change: c.2251+203G>T on transcript NM_001042492.3 (MANE Select); 203 bases into the intron after coding-DNA position 2251, G replaced by T.
Molecular consequence: intron variant.
Genome position (GRCh38, 1-based): chr17:31,226,887, G>T. VCF-style: chr17-31226887-G-T. GRCh37 (hg19) VCF-style: chr17-29553905-G-T.
Other names: c.2251+203G>T (NM_000267.4).
Identifiers: ClinVar variation 561517 (VCV000561517.1), dbSNP rs17884438, ClinGen allele CA289335153.

ClinVar aggregate classification (germline): Likely benign (1 of 4 stars; one submission).

Allele frequency attached by ClinVar (database versions not stated): gnomAD 0.00792 and 0.00847; TOPMed 0.00872; 1000 Genomes Project 30x 0.00890; 1000 Genomes Project 0.00899.
gnomAD v4.1: 1,192 of 152,260 alleles (0.78%); highest among the groups gnomAD compares: African/African-American, 2.8%; 21 homozygotes.

Submission:

GeneDx
Classification: Likely benign. Last evaluated: 2018-06-14. Review status: criteria provided, single submitter. Criteria: GeneDx Variant Classification (06012015). Collection method: clinical testing. Allele origin: germline. Affected: yes.
Comment: This variant is considered likely benign or benign based on one or more of the following criteria: it is a conservative change, it occurs at a poorly conserved position in the protein, it is predicted to be benign by multiple in silico algorithms, and/or has population frequency not consistent with disease.